The following is an entry in ClinVar:

ClinVar aggregate classification (germline): Pathogenic (1 of 4 stars; one submission).

Conditions:
Maple syrup urine disease type 1B (MSUD1B). Also called: MSUD type IB; MSUD type 3 (formerly); MSUD due to deficiency of e1-beta subunit of branched-chain alpha-keto acid dehydrogenase complex. Identifiers: MedGen C2930990, MONDO:0023692, OMIM 620698.

Submission:

Myriad Genetics, Inc.
Classification: Pathogenic for Maple syrup urine disease type 1B. Last evaluated: 2023-08-09. Review status: criteria provided, single submitter. Criteria: Myriad Autosomal Dominant, Autosomal Recessive and X-Linked Classification Criteria (2023). Collection method: clinical testing. Allele origin: unknown.
Comment: NM_183050.2(BCKDHB):c.60_61ins17(G21Sfs*57) is expected to be pathogenic in the context of maple syrup urine disease type Ib. This variant is predicted to lead to an abnormal or absent protein product due to the creation of a premature termination codon in BCKDHB, a gene where loss-of-function variants are known to be pathogenic. Please note: this variant was assessed in the context of healthy population screening.

NM_183050.4(BCKDHB):c.60_61insAGTACCCCAAACTGGAT (p.Gly21fs)

Gene: BCKDHB (branched chain keto acid dehydrogenase E1 subunit beta; plus strand). Cytogenetic location: 6q14.1.
Variant type: Insertion.
Coding change: c.60_61insAGTACCCCAAACTGGAT on transcript NM_183050.4 (MANE Select); coding-DNA positions 60 to 61, AGTACCCCAAACTGGAT inserted.
Protein change: p.Gly21fs; shifts the reading frame from glycine 21.
Molecular consequence: frameshift variant. On other transcripts: 5 prime UTR variant (1), non-coding transcript variant (6), intron variant (1).
Genome position: GRCh38 VCF-style: chr6-80106753-G-GAGTACCCCAAACTGGAT. GRCh37 (hg19) VCF-style: chr6-80816470-G-GAGTACCCCAAACTGGAT.
Other names: c.60_61insAGTACCCCAAACTGGAT, p.Gly21fs (NM_000056.5, NM_001424035.1, NM_001424036.1 and 8 more transcripts); c.-105_-104insAGTACCCCAAACTGGAT (NM_001424043.1); c.-15+70_-15+71insAGTACCCCAAACTGGAT (NM_001318975.1); short protein forms G21fs.
Identifiers: ClinVar variation 5011295 (VCV005011295.1).